The following is an entry in ClinVar:

NM_000368.5(TSC1):c.*913C>T

Gene: TSC1 (TSC complex subunit 1; minus strand). Cytogenetic location: 9q34.13.
Variant type: single nucleotide variant.
Coding change: c.*913C>T on transcript NM_000368.5 (MANE Select); 913 bases downstream of the stop codon, C replaced by T.
Molecular consequence: 3 prime UTR variant.
Genome position (GRCh38, 1-based): chr9:132,895,322, G>A on the plus strand (C>T on the coding strand, the complement: TSC1 is on the minus strand). VCF-style: chr9-132895322-G-A. GRCh37 (hg19) VCF-style: chr9-135770709-G-A.
Other names: c.*913C>T (NM_001162426.2, NM_001162427.2, NM_001362177.2).
Identifiers: ClinVar variation 64772 (VCV000064772.7), dbSNP rs117425923, ClinGen allele CA008389.

ClinVar aggregate classification (germline): Benign. Review status: criteria provided, multiple submitters, no conflicts (2 of 4 stars). 4 submissions from 3 submitters: Benign (3). 1 of the submissions does not count toward it. Last evaluated 2018-01-13.

Conditions:
Tuberous sclerosis 1 (TSC1). Identifiers: Orphanet 805, MedGen C1854465, MONDO:0008612, OMIM 191100.
Tuberous sclerosis syndrome (TSC). Also called: Tuberous Sclerosis Complex; Tuberous sclerosis. Identifiers: Orphanet 805, MedGen C0041341, MONDO:0001734.
Isolated focal cortical dysplasia type II (FCORD2). Also called: CORTICAL DYSPLASIA OF TAYLOR; Focal cortical dysplasia type II. Identifiers: Orphanet 268994, MedGen C1846385, MONDO:0011818, OMIM 607341, HP:0032051.

Allele frequency attached by ClinVar (database versions not stated): 1000 Genomes Project 30x 0.02124; 1000 Genomes Project 0.02256; TOPMed 0.03470; gnomAD 0.03508 and 0.03547; gnomAD exomes 0.04432.
gnomAD v4.1: 8,969 of 233,440 alleles (3.8%); highest among the groups gnomAD compares: Middle Eastern, 5.9%; 269 homozygotes.

Submissions (4):

Illumina Laboratory Services, Illumina
Classification: Benign for Tuberous sclerosis 1. Last evaluated: 2018-01-13. Review status: criteria provided, single submitter. Criteria: ICSL Variant Classification Criteria 13 December 2019. Collection method: clinical testing. Allele origin: germline.
Comment: This variant was observed in the ICSL laboratory as part of a predisposition screen in an ostensibly healthy population. It had not been previously curated by ICSL or reported in the Human Gene Mutation Database (HGMD: prior to June 1st, 2018), and was therefore a candidate for classification through an automated scoring system. Utilizing variant allele frequency, disease prevalence and penetrance estimates, and inheritance mode, an automated score was calculated to assess if this variant is too frequent to cause the disease. Based on the score and internal cut-off values, a variant classified as benign is not then subjected to further curation. The score for this variant resulted in a classification of benign for this disease.

Illumina Laboratory Services, Illumina
Classification: Benign for Isolated focal cortical dysplasia type II. Last evaluated: 2018-01-13. Review status: criteria provided, single submitter. Criteria: ICSL Variant Classification Criteria 13 December 2019. Collection method: clinical testing. Allele origin: germline.
Comment: the same text as in the submission from Illumina Laboratory Services, Illumina above.

Breakthrough Genomics
Classification: Benign. Review status: criteria provided, single submitter. Criteria: ACMG Guidelines, 2015. Collection method: not provided. Allele origin: germline. Inheritance: Autosomal dominant inheritance. Affected: yes.

Tuberous sclerosis database (TSC1)
No classification provided. Condition: TSC. Review status: no classification provided. Criteria: Tuberous Sclerosis Database Assertion Criteria 2015. Collection method: curation. Allele origin: germline. Affected: yes. Not counted in ClinVar's aggregate classification.